The following is an entry in ClinVar:

ClinVar aggregate classification (germline): Uncertain significance (1 of 4 stars; one submission).

Conditions:
Familial adenomatous polyposis 1 (FAP1). Also called: POLYPOSIS, ADENOMATOUS INTESTINAL; FAMILIAL ADENOMATOUS POLYPOSIS 1, ATTENUATED. Identifiers: MedGen C2713442, MONDO:0021056, OMIM 175100. Disease mechanism: loss of function.

Submission:

Labcorp Genetics (formerly Invitae), Labcorp
Classification: Uncertain significance for Familial adenomatous polyposis 1. Last evaluated: 2024-11-19. Review status: criteria provided, single submitter. Criteria: Invitae Variant Classification Sherloc (09022015). Collection method: clinical testing. Allele origin: germline.
Comment: This variant occurs in a non-coding region of the APC gene. It does not change the encoded amino acid sequence of the APC protein. This variant is not present in population databases (gnomAD no frequency). This variant has not been reported in the literature in individuals affected with APC-related conditions. Experimental studies and prediction algorithms are not available or were not evaluated, and the functional significance of this variant is currently unknown. In summary, the available evidence is currently insufficient to determine the role of this variant in disease. Therefore, it has been classified as a Variant of Uncertain Significance.

NC_000005.10:g.112707359G>A

Gene: APC (APC regulator of Wnt signaling pathway; plus strand). Cytogenetic location: 5q22.2.
Variant type: single nucleotide variant.
Genome position: GRCh38 VCF-style: chr5-112707359-G-A. GRCh37 (hg19) VCF-style: chr5-112043056-G-A.
Identifiers: ClinVar variation 3704174 (VCV003704174.2).